The following is an entry in ClinVar:

ClinVar aggregate classification (germline): Uncertain significance. Review status: criteria provided, single submitter (1 of 4 stars). 2 submissions from 2 submitters: Uncertain significance (1). 1 of the submissions does not count toward it. Last evaluated 2020-09-15.

Conditions:
CUBN-related disorder. Also called: CUBN-related condition.
Imerslund-Grasbeck syndrome. Also called: Megaloblastic anemia due to inborn errors of metabolism; Imerslund-Gräsbeck syndrome; PERNICIOUS ANEMIA, JUVENILE, DUE TO SELECTIVE INTESTINAL MALABSORPTION OF VITAMIN B12, WITH PROTEINURIA; ENTEROCYTE COBALAMIN MALABSORPTION; ENTEROCYTE INTRINSIC FACTOR RECEPTOR, DEFECT OF. Identifiers: Orphanet 35858, MedGen C4551825, MONDO:0009853.

Allele frequency attached by ClinVar (database versions not stated): gnomAD exomes 0.00001.
gnomAD v4.1: 4 of 1,614,036 alleles (0.00025%); highest among the groups gnomAD compares: Admixed American, 0.0033%; no homozygotes.

Submissions (2):

Labcorp Genetics (formerly Invitae), Labcorp
Classification: Uncertain significance for Imerslund-Grasbeck syndrome. Last evaluated: 2020-09-15. Review status: criteria provided, single submitter. Criteria: Invitae Variant Classification Sherloc (09022015). Collection method: clinical testing. Allele origin: germline.
Comment: Algorithms developed to predict the effect of missense changes on protein structure and function output the following: SIFT: "Tolerated"; PolyPhen-2: "Benign"; Align-GVGD: "Class C0". The valine amino acid residue is found in multiple mammalian species, suggesting that this missense change does not adversely affect protein function. These predictions have not been confirmed by published functional studies and their clinical significance is uncertain. In summary, the available evidence is currently insufficient to determine the role of this variant in disease. Therefore, it has been classified as a Variant of Uncertain Significance. Algorithms developed to predict the effect of sequence changes on RNA splicing suggest that this variant may create or strengthen a splice site, but this prediction has not been confirmed by published transcriptional studies. This variant has not been reported in the literature in individuals with CUBN-related conditions. This variant is not present in population databases (ExAC no frequency). This sequence change replaces isoleucine with valine at codon 1951 of the CUBN protein (p.Ile1951Val). The isoleucine residue is weakly conserved and there is a small physicochemical difference between isoleucine and valine.

PreventionGenetics, part of Exact Sciences
Classification: Uncertain significance for CUBN-related condition. Last evaluated: 2024-01-04. Review status: no assertion criteria provided. Collection method: clinical testing. Allele origin: germline. Not counted in ClinVar's aggregate classification.
Comment: The CUBN c.5851A>G variant is predicted to result in the amino acid substitution p.Ile1951Val. To our knowledge, this variant has not been reported in the literature. This variant is reported in 0.0058% of alleles in individuals of Latino descent in gnomAD. At this time, the clinical significance of this variant is uncertain due to the absence of conclusive functional and genetic evidence.

NM_001081.4(CUBN):c.5851A>G (p.Ile1951Val)

Gene: CUBN (cubilin; minus strand). Cytogenetic location: 10p13.
Variant type: single nucleotide variant.
Coding change: c.5851A>G on transcript NM_001081.4 (MANE Select); coding-DNA position 5851, A replaced by G.
Protein change: p.Ile1951Val; replaces isoleucine 1951 with valine.
Molecular consequence: missense variant.
Genome position (GRCh38, 1-based): chr10:16,937,667, T>C on the plus strand (A>G on the coding strand, the complement: CUBN is on the minus strand). VCF-style: chr10-16937667-T-C. GRCh37 (hg19) VCF-style: chr10-16979666-T-C.
Other names: c.5851A>G (NM_001081.3); short protein forms I1951V.
Identifiers: ClinVar variation 1019224 (VCV001019224.11), dbSNP rs1379361226, ClinGen allele CA376155155.